The following is an entry in ClinVar:

ClinVar aggregate classification (germline): Uncertain significance (1 of 4 stars; one submission).

gnomAD v4.1: 2 of 1,569,368 alleles (0.00013%); highest among the groups gnomAD compares: Non-Finnish European, 0.00017%; no homozygotes.

Submission:

Labcorp Genetics (formerly Invitae), Labcorp
Classification: Uncertain significance. Last evaluated: 2025-09-22. Review status: criteria provided, single submitter. Criteria: Invitae Variant Classification Sherloc (09022015). Collection method: clinical testing. Allele origin: germline.
Comment: This sequence change replaces serine, which is neutral and polar, with phenylalanine, which is neutral and non-polar, at codon 281 of the PLEKHM2 protein (p.Ser281Phe). This variant is not present in population databases (gnomAD no frequency). This variant has not been reported in the literature in individuals affected with PLEKHM2-related conditions. An algorithm developed to predict the effect of missense changes on protein structure and function (PolyPhen-2) suggests that this variant is likely to be disruptive. In summary, the available evidence is currently insufficient to determine the role of this variant in disease. Therefore, it has been classified as a Variant of Uncertain Significance.

NM_015164.4(PLEKHM2):c.842C>T (p.Ser281Phe)

Gene: PLEKHM2 (pleckstrin homology and RUN domain containing M2; plus strand). Cytogenetic location: 1p36.21.
Variant type: single nucleotide variant.
Coding change: c.842C>T on transcript NM_015164.4 (MANE Select); coding-DNA position 842, C replaced by T.
Protein change: p.Ser281Phe; replaces serine 281 with phenylalanine.
Molecular consequence: missense variant.
Genome position (GRCh38, 1-based): chr1:15,725,446, C>T. VCF-style: chr1-15725446-C-T. GRCh37 (hg19) VCF-style: chr1-16051941-C-T.
Other names: c.782C>T, p.Ser261Phe (NM_001410755.1); short protein forms S261F, S281F.
Identifiers: ClinVar variation 4812639 (VCV004812639.1).